The following is an entry in ClinVar:

NM_000081.4(LYST):c.9682G>A (p.Val3228Met)

Gene: LYST (lysosomal trafficking regulator; minus strand). Cytogenetic location: 1q42.3.
Variant type: single nucleotide variant.
Coding change: c.9682G>A on transcript NM_000081.4 (MANE Select); coding-DNA position 9682, G replaced by A.
Protein change: p.Val3228Met; replaces valine 3228 with methionine.
Molecular consequence: missense variant.
Genome position (GRCh38, 1-based): chr1:235,715,303, C>T on the plus strand (G>A on the coding strand, the complement: LYST is on the minus strand). VCF-style: chr1-235715303-C-T. GRCh37 (hg19) VCF-style: chr1-235878603-C-T.
Other names: c.9682G>A, p.Val3228Met (NM_001301365.1); short protein forms V3228M.
Identifiers: ClinVar variation 2006459 (VCV002006459.1), dbSNP rs1157385097, ClinGen allele CA344939546.
Genomic context (GRCh38, chr1:235,715,303, plus strand): 5'-CCAGGAAGTGAAGCACAGTGCCGCTATTGGAATAGTGGGAGCCATAGTGATAGGGCTGCA[C>T]GGGAGGCATGGGGTCATCTTCTCTGGCTCCTTTGCGGTACTCTTCCTCCAAGTACTGAAA-3'
Protein context (NP_000072.2, residues 3218-3238): GAREDDPMPP[Val3228Met]QPYHYGSHYS

ClinVar aggregate classification (germline): Uncertain significance (1 of 4 stars; one submission).

Conditions:
Chédiak-Higashi syndrome (CHS). Also called: Chediak-Higashi Syndrome. Identifiers: Orphanet 167, MedGen C0007965, MONDO:0008963, OMIM 214500.

Allele frequency attached by ClinVar (database versions not stated): gnomAD 0.00001.
gnomAD v4.1: 4 of 1,613,798 alleles (0.00025%); highest among the groups gnomAD compares: African/African-American, 0.0013%; no homozygotes.

Submission:

Labcorp Genetics (formerly Invitae), Labcorp
Classification: Uncertain significance for Chédiak-Higashi syndrome. Last evaluated: 2022-06-14. Review status: criteria provided, single submitter. Criteria: Invitae Variant Classification Sherloc (09022015). Collection method: clinical testing. Allele origin: germline.
Comment: This sequence change replaces valine, which is neutral and non-polar, with methionine, which is neutral and non-polar, at codon 3228 of the LYST protein (p.Val3228Met). This variant is present in population databases (no rsID available, gnomAD 0.007%). This variant has not been reported in the literature in individuals affected with LYST-related conditions. Algorithms developed to predict the effect of missense changes on protein structure and function are either unavailable or do not agree on the potential impact of this missense change (SIFT: "Deleterious"; PolyPhen-2: "Probably Damaging"; Align-GVGD: "Class C0"). In summary, the available evidence is currently insufficient to determine the role of this variant in disease. Therefore, it has been classified as a Variant of Uncertain Significance.